The following is an entry in ClinVar:

ClinVar aggregate classification (germline): Uncertain significance. Review status: criteria provided, multiple submitters, no conflicts (2 of 4 stars). 5 submissions from 5 submitters: Uncertain significance (5). Last evaluated 2025-10-07.

Conditions:
Colorectal cancer. Also called: Colorectal cancer, somatic; Malignant Colorectal Neoplasm. Identifiers: MedGen C0346629, MONDO:0005575, OMIM 114500.
Hereditary cancer-predisposing syndrome. Also called: Hereditary neoplastic syndrome; Neoplastic Syndromes, Hereditary; Tumor predisposition; Hereditary Cancer Syndrome. Identifiers: Orphanet 140162, MedGen C0027672, MeSH D009386, MONDO:0015356.
Oligodontia-cancer predisposition syndrome. Also called: TOOTH AGENESIS-COLORECTAL CANCER SYNDROME. Identifiers: Orphanet 300576, MedGen C1837750, MONDO:0012075, OMIM 608615. Disease mechanism: loss of function.

Allele frequency attached by ClinVar (database versions not stated): gnomAD exomes below 0.00001 and 0.00002; ExAC 0.00001; gnomAD 0.00001; TOPMed 0.00001.
gnomAD v4.1: 28 of 1,613,198 alleles (0.0017%); highest among the groups gnomAD compares: Non-Finnish European, 0.0023%; no homozygotes.

Submissions (5):

Labcorp Genetics (formerly Invitae), Labcorp
Classification: Uncertain significance for Oligodontia-cancer predisposition syndrome. Last evaluated: 2025-10-07. Review status: criteria provided, single submitter. Criteria: Invitae Variant Classification Sherloc (09022015). Collection method: clinical testing. Allele origin: germline.
Comment: This sequence change replaces serine, which is neutral and polar, with arginine, which is basic and polar, at codon 626 of the AXIN2 protein (p.Ser626Arg). This variant is present in population databases (rs767756290, gnomAD 0.0009%). This missense change has been observed in individual(s) with neuroblastoma (PMID: 27009842). ClinVar contains an entry for this variant (Variation ID: 533225). Invitae Evidence Modeling of protein sequence and biophysical properties (such as structural, functional, and spatial information, amino acid conservation, physicochemical variation, residue mobility, and thermodynamic stability) indicates that this missense variant is expected to disrupt AXIN2 protein function with a positive predictive value of 80%. In summary, the available evidence is currently insufficient to determine the role of this variant in disease. Therefore, it has been classified as a Variant of Uncertain Significance.

GeneDx
Classification: Uncertain significance. Last evaluated: 2025-05-05. Review status: criteria provided, single submitter. Criteria: GeneDx Variant Classification Process June 2021. Collection method: clinical testing. Allele origin: germline. Affected: yes.
Comment: Not observed at significant frequency in large population cohorts (gnomAD); In silico analysis suggests that this missense variant does not alter protein structure/function; Observed in a pediatric patient with neuroblastoma (PMID: 27009842); This variant is associated with the following publications: (PMID: 27009842)

Ambry Genetics
Classification: Uncertain significance for Hereditary cancer-predisposing syndrome. Last evaluated: 2024-04-27. Review status: criteria provided, single submitter. Criteria: Ambry Variant Classification Scheme 2023. Collection method: clinical testing. Allele origin: germline.
Comment: The p.S626R variant (also known as c.1878T>A), located in coding exon 6 of the AXIN2 gene, results from a T to A substitution at nucleotide position 1878. The serine at codon 626 is replaced by arginine, an amino acid with dissimilar properties. This amino acid position is well conserved in available vertebrate species. In addition, this alteration is predicted to be tolerated by in silico analysis. Since supporting evidence is limited at this time, the clinical significance of this alteration remains unclear.

Baylor Genetics
Classification: Uncertain significance for Colorectal cancer. Last evaluated: 2023-07-11. Review status: criteria provided, single submitter. Criteria: ACMG Guidelines, 2015. Collection method: clinical testing. Allele origin: unknown.

Sema4
Classification: Uncertain significance for Hereditary cancer-predisposing syndrome. Last evaluated: 2021-12-13. Review status: criteria provided, single submitter. Criteria: Sema4 Curation Guidelines. Collection method: curation. Allele origin: germline.
Comment: The AXIN2 c.1878T>A (p.S626R) variant has been reported in one individual with neuroblastoma (PMID: 27009842). It was observed in 1/113376 chromosomes of the Non-Finnish European subpopulation in the large and broad cohorts of the Genome Aggregation Database (PMID: 32461654). This variant has been reported in ClinVar (Variation ID: 533225). Functional studies have not been performed, and in silico predictions of the variant's effect on protein function are inconclusive. The evidence is insufficient to meet ACMG/AMP criteria for classifying the variant as benign or pathogenic. Thus, the clinical significance of this variant is currently uncertain.

Literature cited by the submitters: PubMed 27009842 (cited by Labcorp Genetics (formerly Invitae), Labcorp and Sema4).

NM_004655.4(AXIN2):c.1878T>A (p.Ser626Arg)

Gene: AXIN2 (axin 2; minus strand). Cytogenetic location: 17q24.1.
Variant type: single nucleotide variant.
Coding change: c.1878T>A on transcript NM_004655.4 (MANE Select); coding-DNA position 1878, T replaced by A.
Protein change: p.Ser626Arg; replaces serine 626 with arginine.
Molecular consequence: missense variant. On other transcripts: intron variant (1).
Genome position (GRCh38, 1-based): chr17:65,536,898, A>T on the plus strand (T>A on the coding strand, the complement: AXIN2 is on the minus strand). VCF-style: chr17-65536898-A-T. GRCh37 (hg19) VCF-style: chr17-63533016-A-T.
Other names: c.1878T>A (LRG_296t1); c.1713-345T>A (NM_001363813.1); short protein forms S626R.
Identifiers: ClinVar variation 533225 (VCV000533225.16), dbSNP rs767756290, ClinGen allele CA8718507.
Genomic context (GRCh38, chr17:65,536,898, plus strand): 5'-CGCGGCCGCGGCGGCGGCAAGCGGTGTTTACCTATGGGGCTTGGGCTTGCTCTGCCGCTC[A>T]CTCTCCAGCATCCACTGCCAGACATCCTGCGACCTGTCTCCTTCCTCCCGGGGAAGCTGC-3'
Protein context (NP_004646.3, residues 616-636): SQDVWQWMLE[Ser626Arg]ERQSKPKPHS